The following is an entry in ClinVar:

ClinVar aggregate classification (germline): Uncertain significance (1 of 4 stars; one submission).

gnomAD v4.1: 1 of 1,613,952 alleles (0.000062%); no homozygotes.

Submission:

GeneDx
Classification: Uncertain significance. Last evaluated: 2023-12-07. Review status: criteria provided, single submitter. Criteria: GeneDx Variant Classification Process June 2021. Collection method: clinical testing. Allele origin: germline. Affected: yes.
Comment: Not observed at significant frequency in large population cohorts (gnomAD); In silico analysis supports that this missense variant does not alter protein structure/function; Has not been previously published as pathogenic or benign to our knowledge

NM_006662.3(SRCAP):c.7580T>C (p.Leu2527Pro)

Gene: SRCAP (Snf2 related CREBBP activator protein; plus strand). Cytogenetic location: 16p11.2.
Variant type: single nucleotide variant.
Coding change: c.7580T>C on transcript NM_006662.3 (MANE Select); coding-DNA position 7580, T replaced by C.
Protein change: p.Leu2527Pro; replaces leucine 2527 with proline.
Molecular consequence: missense variant.
Genome position (GRCh38, 1-based): chr16:30,737,620, T>C. VCF-style: chr16-30737620-T-C. GRCh37 (hg19) VCF-style: chr16-30748941-T-C.
Other names: short protein forms L2527P.
Identifiers: ClinVar variation 3365404 (VCV003365404.1).